The following is an entry in ClinVar:

NM_001370348.2(PHF3):c.3232-5G>A

Gene: PHF3 (PHD finger protein 3; plus strand). Cytogenetic location: 6q12.
Variant type: single nucleotide variant.
Coding change: c.3232-5G>A on transcript NM_001370348.2 (MANE Select); 5 bases into the intron before coding-DNA position 3232, G replaced by A.
Molecular consequence: intron variant.
Genome position (GRCh38, 1-based): chr6:63,703,531, G>A. VCF-style: chr6-63703531-G-A. GRCh37 (hg19) VCF-style: chr6-64413421-G-A.
Other names: c.2968-5G>A (NM_001290259.2, NM_001370349.2); c.1039-5G>A (NM_001370350.2); c.3232-5G>A (NM_015153.4).
Identifiers: ClinVar variation 2656684 (VCV002656684.24), dbSNP rs369575352, ClinGen allele CA3876100.

ClinVar aggregate classification (germline): Likely benign (1 of 4 stars; one submission).

Allele frequency attached by ClinVar (database versions not stated): ExAC 0.00010; gnomAD 0.00016; TOPMed 0.00020; ESP Exome Variant Server 0.00031; gnomAD exomes 0.00032.
gnomAD v4.1: 485 of 1,601,806 alleles (0.03%); highest among the groups gnomAD compares: Non-Finnish European, 0.039%; no homozygotes.

Submission:

CeGaT Center for Human Genetics Tuebingen
Classification: Likely benign. Last evaluated: 2022-04-01. Review status: criteria provided, single submitter. Criteria: CeGaT Center For Human Genetics Tuebingen Variant Classification Criteria Version 2. Collection method: clinical testing. Allele origin: germline. Affected: yes. Observed: 1 variant allele.
Comment: PHF3: BP4